The following is an entry in ClinVar:

NM_001365536.1(SCN9A):c.4621C>A (p.Gln1541Lys)

Genes: SCN9A (sodium voltage-gated channel alpha subunit 9; minus strand), SCN1A-AS1 (SCN1A and SCN9A antisense RNA 1; plus strand). Cytogenetic location: 2q24.3.
Variant type: single nucleotide variant.
Coding change: c.4621C>A on transcript NM_001365536.1 (MANE Select); coding-DNA position 4621, C replaced by A.
Protein change: p.Gln1541Lys; replaces glutamine 1541 with lysine.
Molecular consequence: missense variant.
Genome position (GRCh38, 1-based): chr2:166,204,108, G>T on the plus strand (C>A on the coding strand, the complement: SCN9A is on the minus strand). VCF-style: chr2-166204108-G-T. GRCh37 (hg19) VCF-style: chr2-167060618-G-T.
Other names: c.4588C>A, p.Gln1530Lys (NM_002977.4); short protein forms Q1530K, Q1541K.
Identifiers: ClinVar variation 424146 (VCV000424146.9), dbSNP rs1064796825, ClinGen allele CA16617321.

ClinVar aggregate classification (germline): Uncertain significance. Review status: criteria provided, multiple submitters, no conflicts (2 of 4 stars). 2 submissions from 2 submitters: Uncertain significance (2). Last evaluated 2024-10-22.

Conditions:
Neuropathy, hereditary sensory and autonomic, type 2A (HSAN2A). Also called: ACROOSTEOLYSIS, GIACCAI TYPE; ACROOSTEOLYSIS, NEUROGENIC; WNK1-Related HSAN2 (HSAN2A); HSAN IIA; MORVAN DISEASE; NEUROPATHY, CONGENITAL SENSORY. Identifiers: Orphanet 970, MedGen C2752089, MONDO:0024309, OMIM 201300.
Generalized epilepsy with febrile seizures plus, type 7 (GEFSP7). Also called: GEFS+, TYPE 7. Identifiers: Orphanet 36387, MedGen C2751778, MONDO:0013470, OMIM 613863.

Allele frequency attached by ClinVar (database versions not stated): gnomAD exomes below 0.00001; gnomAD 0.00001.
gnomAD v4.1: 5 of 1,612,532 alleles (0.00031%); highest among the groups gnomAD compares: African/African-American, 0.0053%; no homozygotes.

Submissions (2):

Labcorp Genetics (formerly Invitae), Labcorp
Classification: Uncertain significance for Neuropathy, hereditary sensory and autonomic, type 2A; Generalized epilepsy with febrile seizures plus, type 7. Last evaluated: 2024-10-22. Review status: criteria provided, single submitter. Criteria: Invitae Variant Classification Sherloc (09022015). Collection method: clinical testing. Allele origin: germline.
Comment: This sequence change replaces glutamine, which is neutral and polar, with lysine, which is basic and polar, at codon 1530 of the SCN9A protein (p.Gln1530Lys). This variant is not present in population databases (gnomAD no frequency). This variant has not been reported in the literature in individuals affected with SCN9A-related conditions. ClinVar contains an entry for this variant (Variation ID: 424146). Invitae Evidence Modeling of protein sequence and biophysical properties (such as structural, functional, and spatial information, amino acid conservation, physicochemical variation, residue mobility, and thermodynamic stability) indicates that this missense variant is not expected to disrupt SCN9A protein function with a negative predictive value of 95%. In summary, the available evidence is currently insufficient to determine the role of this variant in disease. Therefore, it has been classified as a Variant of Uncertain Significance.

GeneDx
Classification: Uncertain significance. Last evaluated: 2017-03-08. Review status: criteria provided, single submitter. Criteria: GeneDx Variant Classification (06012015). Collection method: clinical testing. Allele origin: germline. Affected: yes.
Comment: A variant of uncertain significance has been identified in the SCN9A gene. The Q1530K variant has not been published as a pathogenic variant, nor has it been reported as a benign variant to our knowledge. The Q1530K variant is not observed in large population cohorts (Lek et al., 2016; 1000 Genomes Consortium et al., 2015; Exome Variant Server). The Q1530K variant is a semi-conservative amino acid substitution, which may impact secondary protein structure as these residues differ in some properties. Missense variants in nearby residues (M1532I and W1538R) have been reported in Human Gene Mutation Database in association with SCN9A-related disorders (Stenson et al., 2014), supporting the functional importance of this region of the protein. However, this substitution occurs at a position that is not conserved and in silico analysis predicts this variant likely does not alter the protein structure/function. Therefore, based on the currently available information, it is unclear whether this variant is a pathogenic variant or a rare benign variant.